The following is an entry in ClinVar:

ClinVar aggregate classification (germline): Uncertain significance. Review status: criteria provided, multiple submitters, no conflicts (2 of 4 stars). 3 submissions from 3 submitters: Uncertain significance (3). Last evaluated 2023-07-11.

Conditions:
Inborn genetic diseases. Identifiers: MedGen C0950123, MeSH D030342.
F5-related disorder. Also called: F5-related condition.

Allele frequency attached by ClinVar (database versions not stated): gnomAD exomes below 0.00001; TOPMed below 0.00001; ESP Exome Variant Server 0.00008.
gnomAD v4.1: 6 of 1,613,192 alleles (0.00037%); highest among the groups gnomAD compares: Non-Finnish European, 0.00051%; no homozygotes.

Submissions (3):

PreventionGenetics, part of Exact Sciences
Classification: Uncertain significance for F5-related condition. Last evaluated: 2023-07-11. Review status: criteria provided, single submitter. Criteria: ACMG Guidelines, 2015. Collection method: clinical testing. Allele origin: germline.
Comment: The F5 c.254T>G variant is predicted to result in the amino acid substitution p.Leu85Arg. To our knowledge, this variant has not been reported in the literature. This variant is reported in 0.0018% of alleles in individuals of European (Non-Finnish) descent in gnomAD. At this time, the clinical significance of this variant is uncertain due to the absence of conclusive functional and genetic evidence.

Ambry Genetics
Classification: Uncertain significance for Inborn genetic diseases. Last evaluated: 2023-07-03. Review status: criteria provided, single submitter. Criteria: Ambry Variant Classification Scheme 2023. Collection method: clinical testing. Allele origin: germline.
Comment: The c.254T>G (p.L85R) alteration is located in exon 3 (coding exon 3) of the F5 gene. This alteration results from a T to G substitution at nucleotide position 254, causing the leucine (L) at amino acid position 85 to be replaced by an arginine (R). Based on data from gnomAD, the G allele has an overall frequency of 0.001% (2/250746) total alleles studied. The highest observed frequency was 0.002% (2/113500) of European (non-Finnish) alleles. This amino acid position is highly conserved in available vertebrate species. This alteration is predicted to be deleterious by in silico analysis. Based on insufficient or conflicting evidence, the clinical significance of this alteration remains unclear.

Mayo Clinic Laboratories, Mayo Clinic
Classification: Uncertain significance. Last evaluated: 2023-01-16. Review status: criteria provided, single submitter. Criteria: ACMG Guidelines, 2015. Collection method: clinical testing. Allele origin: germline. Observed: 2 variant alleles.
Comment: PP3, PM2

NM_000130.5(F5):c.254T>G (p.Leu85Arg)

Gene: F5 (coagulation factor V; minus strand). Cytogenetic location: 1q24.2.
Variant type: single nucleotide variant.
Coding change: c.254T>G on transcript NM_000130.5 (MANE Select); coding-DNA position 254, T replaced by G.
Protein change: p.Leu85Arg; replaces leucine 85 with arginine.
Molecular consequence: missense variant.
Genome position (GRCh38, 1-based): chr1:169,572,340, A>C on the plus strand (T>G on the coding strand, the complement: F5 is on the minus strand). VCF-style: chr1-169572340-A-C. GRCh37 (hg19) VCF-style: chr1-169541578-A-C.
Other names: p.Leu85Arg; short protein forms L85R.
Identifiers: ClinVar variation 2507791 (VCV002507791.5), dbSNP rs146656273, ClinGen allele CA32405805.